The following is an entry in ClinVar:

NM_000089.4(COL1A2):c.1797T>C (p.Ala599=)

Gene: COL1A2 (collagen type I alpha 2 chain; plus strand). Cytogenetic location: 7q21.3.
Variant type: single nucleotide variant.
Coding change: c.1797T>C on transcript NM_000089.4 (MANE Select); coding-DNA position 1797, T replaced by C.
Protein change: p.Ala599=; no amino-acid change (alanine 599 retained).
Molecular consequence: synonymous variant.
Genome position (GRCh38, 1-based): chr7:94,416,437, T>C. VCF-style: chr7-94416437-T-C. GRCh37 (hg19) VCF-style: chr7-94045749-T-C.
Identifiers: ClinVar variation 2937655 (VCV002937655.4), dbSNP rs1341184188, ClinGen allele CA456489050.

ClinVar aggregate classification (germline): Likely benign. Review status: criteria provided, single submitter (1 of 4 stars). 2 submissions from 2 submitters: Likely benign (1). 1 of the submissions does not count toward it. Last evaluated 2023-11-13.

Conditions:
Osteogenesis imperfecta type I (OI1). Also called: Lobstein disease; OI, TYPE I; OSTEOGENESIS IMPERFECTA TARDA; OSTEOGENESIS IMPERFECTA WITH BLUE SCLERAE; Osteogenesis imperfecta type 1; Lobstein's Disease. Identifiers: Orphanet 216796, Orphanet 666, MedGen C0023931, MONDO:0008146, OMIM 166200. Disease mechanism: loss of function.
Ehlers-Danlos syndrome, classic type, 1 (EDSCL1). Also called: EDS I; EHLERS-DANLOS SYNDROME, GRAVIS TYPE; EHLERS-DANLOS SYNDROME, SEVERE CLASSIC TYPE; Ehlers-Danlos syndrome, type 1; Ehlers-Danlos Syndrome, Classic Type, COL5A1-Related. Identifiers: MedGen C0268335, MONDO:0019567, OMIM 130000.
COL1A2-related disorder. Also called: COL1A2-related condition; COL1A2-Related Disorders.

Allele frequency attached by ClinVar (database versions not stated): gnomAD exomes below 0.00001; TOPMed below 0.00001.
gnomAD v4.1: 3 of 1,586,366 alleles (0.00019%); highest among the groups gnomAD compares: Non-Finnish European, 0.00026%; no homozygotes.

Submissions (2):

Labcorp Genetics (formerly Invitae), Labcorp
Classification: Likely benign for Osteogenesis imperfecta type I; Ehlers-Danlos syndrome, classic type, 1. Last evaluated: 2023-11-13. Review status: criteria provided, single submitter. Criteria: Invitae Variant Classification Sherloc (09022015). Collection method: clinical testing. Allele origin: germline.

PreventionGenetics, part of Exact Sciences
Classification: Likely benign for COL1A2-related condition. Last evaluated: 2024-06-29. Review status: no assertion criteria provided. Collection method: clinical testing. Allele origin: germline. Not counted in ClinVar's aggregate classification.
Comment: This variant is classified as likely benign based on ACMG/AMP sequence variant interpretation guidelines (Richards et al. 2015 PMID: 25741868, with internal and published modifications).